The following is an entry in ClinVar:

ClinVar aggregate classification (germline): Benign/Likely benign. Review status: criteria provided, multiple submitters, no conflicts (2 of 4 stars). 6 submissions from 6 submitters: Benign (4); Likely benign (2). Last evaluated 2026-01-27.

Conditions:
Epidermolysis bullosa simplex with nail dystrophy (EBS5D). Identifiers: MedGen C4225309, MONDO:0014661, OMIM 616487.
Epidermolysis bullosa simplex 5B, with muscular dystrophy (EBS5B). Also called: Epidermolysis bullosa simplex with muscular dystrophy; EPIDERMOLYSIS BULLOSA SIMPLEX AND LIMB-GIRDLE MUSCULAR DYSTROPHY. Identifiers: Orphanet 257, MedGen C2931072, MONDO:0009181, OMIM 226670.
Autosomal recessive limb-girdle muscular dystrophy type 2Q (LGMDR17). Also called: MUSCULAR DYSTROPHY, LIMB-GIRDLE, AUTOSOMAL RECESSIVE 17. Identifiers: Orphanet 254361, MedGen C3150989, MONDO:0013390, OMIM 613723.
Epidermolysis bullosa simplex 5C, with pyloric atresia (EBS5C). Also called: PLEC1-Related Epidermolysis Bullosa with Pyloric Atresia; PLEC-Related Epidermolysis Bullosa with Pyloric Atresia; Epidermolysis bullosa simplex with pyloric atresia. Identifiers: Orphanet 158684, MedGen C2677349, MONDO:0012807, OMIM 612138.
Epidermolysis bullosa simplex, Ogna type (EBS5A). Also called: EPIDERMOLYSIS BULLOSA SIMPLEX 5A, OGNA TYPE; Pidermolysis bullosa simplex 5A, Ogna type. Identifiers: Orphanet 79401, MedGen C0432317, MONDO:0007555, OMIM 131950.

Allele frequency attached by ClinVar (database versions not stated): ExAC 0.00049; ESP Exome Variant Server 0.00162; TOPMed 0.00246; 1000 Genomes Project 30x 0.00297; 1000 Genomes Project 0.00319.
gnomAD v4.1: 682 of 1,602,368 alleles (0.043%); highest among the groups gnomAD compares: African/African-American, 0.8%; 4 homozygotes.

Submissions (6):

Labcorp Genetics (formerly Invitae), Labcorp
Classification: Benign for Autosomal recessive limb-girdle muscular dystrophy type 2Q; Epidermolysis bullosa simplex, Ogna type; Epidermolysis bullosa simplex with nail dystrophy; Epidermolysis bullosa simplex 5C, with pyloric atresia; Epidermolysis bullosa simplex 5B, with muscular dystrophy. Last evaluated: 2026-01-27. Review status: criteria provided, single submitter. Criteria: Invitae Variant Classification Sherloc (09022015). Collection method: clinical testing. Allele origin: germline.

Blueprint Genetics
Classification: Likely benign. Last evaluated: 2024-11-13. Review status: criteria provided, single submitter. Criteria: ACMG Guidelines, 2015. Collection method: clinical testing. Allele origin: germline.

Mayo Clinic Laboratories, Mayo Clinic
Classification: Benign. Last evaluated: 2024-08-27. Review status: criteria provided, single submitter. Criteria: ACMG Guidelines, 2015. Collection method: clinical testing. Allele origin: germline. Observed: 7 variant alleles.
Comment: BS1, BS2, BP4, BP7

Athena Diagnostics
Classification: Benign. Last evaluated: 2021-05-18. Review status: criteria provided, single submitter. Criteria: Athena Diagnostics criteria. Collection method: clinical testing. Allele origin: unknown.

GeneDx
Classification: Likely benign. Last evaluated: 2021-01-28. Review status: criteria provided, single submitter. Criteria: GeneDx Variant Classification Process June 2021. Collection method: clinical testing. Allele origin: germline. Affected: yes.

Eurofins Ntd Llc (ga)
Classification: Benign. Last evaluated: 2015-11-13. Review status: criteria provided, single submitter. Criteria: EGL Classification Definitions 2015. Collection method: clinical testing. Allele origin: germline. Observed: 1 variant allele, 1 heterozygote.

NM_201384.3(PLEC):c.3745C>A (p.Arg1249=)

Gene: PLEC (plectin; minus strand). Cytogenetic location: 8q24.3.
Variant type: single nucleotide variant.
Coding change: c.3745C>A on transcript NM_201384.3 (MANE Select); coding-DNA position 3745, C replaced by A.
Protein change: p.Arg1249=; no amino-acid change (arginine 1249 retained).
Molecular consequence: synonymous variant.
Genome position (GRCh38, 1-based): chr8:143,927,421, G>T on the plus strand (C>A on the coding strand, the complement: PLEC is on the minus strand). VCF-style: chr8-143927421-G-T. GRCh37 (hg19) VCF-style: chr8-145001589-G-T.
Other names: p.Arg1235=; c.3826C>A, p.Arg1276= (NM_000445.5); c.3703C>A, p.Arg1235= (NM_201378.4); c.3679C>A, p.Arg1227= (NM_201379.3); c.4156C>A, p.Arg1386= (NM_201380.4); c.3649C>A, p.Arg1217= (NM_201381.3); c.3745C>A, p.Arg1249= (NM_201382.4); c.3757C>A, p.Arg1253= (NM_201383.3).
Identifiers: ClinVar variation 196104 (VCV000196104.18), dbSNP rs201552166, ClinGen allele CA242910.